The following is an entry in ClinVar:

ClinVar aggregate classification (germline): Uncertain significance (1 of 4 stars; one submission).

Conditions:
KIRREL3-related disorder. Also called: KIRREL3-related condition.

Allele frequency attached by ClinVar (database versions not stated): gnomAD exomes below 0.00001.

Submission:

PreventionGenetics, part of Exact Sciences
Classification: Uncertain significance for KIRREL3-related condition. Last evaluated: 2025-04-23. Review status: criteria provided, single submitter. Criteria: ACMG Guidelines, 2015. Collection method: clinical testing. Allele origin: germline.
Comment: The KIRREL3 c.1006C>T variant is predicted to result in the amino acid substitution p.Arg336Trp. To our knowledge, this variant has not been reported in the literature. This variant is reported in 0.0058% of alleles in individuals of East Asian descent in gnomAD. At this time, the clinical significance of this variant is uncertain due to the absence of conclusive functional and genetic evidence.

NM_032531.4(KIRREL3):c.1006C>T (p.Arg336Trp)

Gene: KIRREL3 (kirre like nephrin family adhesion molecule 3; minus strand). Cytogenetic location: 11q24.2.
Variant type: single nucleotide variant.
Coding change: c.1006C>T on transcript NM_032531.4 (MANE Select); coding-DNA position 1006, C replaced by T.
Protein change: p.Arg336Trp; replaces arginine 336 with tryptophan.
Molecular consequence: missense variant.
Genome position (GRCh38, 1-based): chr11:126,446,878, G>A on the plus strand (C>T on the coding strand, the complement: KIRREL3 is on the minus strand). VCF-style: chr11-126446878-G-A. GRCh37 (hg19) VCF-style: chr11-126316773-G-A.
Other names: c.1006C>T, p.Arg336Trp (NM_001161707.2, NM_001301097.2); short protein forms R336W.
Identifiers: ClinVar variation 2633801 (VCV002633801.2), dbSNP rs1431156299, ClinGen allele CA383237901.